The following is an entry in ClinVar:

NM_001326411.2(PISD):c.264G>C (p.Glu88Asp)

Gene: PISD (phosphatidylserine decarboxylase; minus strand). Cytogenetic location: 22q12.2.
Variant type: single nucleotide variant.
Coding change: c.264G>C on transcript NM_001326411.2 (MANE Select); coding-DNA position 264, G replaced by C.
Protein change: p.Glu88Asp; replaces glutamic acid 88 with aspartic acid.
Molecular consequence: missense variant. On other transcripts: 5 prime UTR variant (4).
Genome position (GRCh38, 1-based): chr22:31,648,158, C>G on the plus strand (G>C on the coding strand, the complement: PISD is on the minus strand). VCF-style: chr22-31648158-C-G. GRCh37 (hg19) VCF-style: chr22-32044144-C-G.
Other names: c.264G>C, p.Glu88Asp (NM_001326412.1, NM_001326421.1); c.35G>C, p.Ser12Thr (NM_001326413.2, NM_001326414.2); c.-259G>C (NM_001326415.2, NM_001326417.2, NM_001326419.2); c.-368G>C (NM_001326416.2); c.84G>C, p.Glu28Asp (NM_001326418.2, NM_001326420.2); short protein forms E88D, E28D, S12T.
Identifiers: ClinVar variation 1375335 (VCV001375335.6), dbSNP rs1327802884, ClinGen allele CA411295662.
Genomic context (GRCh38, chr22:31,648,158, plus strand): 5'-TACCTCCCAGTGACCAGCAAGTTTGGGTGGAATCTCCAATCCCAGCTTCTCCAGCTCTCG[C>G]TCCCTGTACTTCTCATACTGCCGGTACCCTGCATACCCGCCGCCTGTCACCAACAGAATG-3'
Protein context (NP_001313340.1, residues 78-98): AGYRQYEKYR[Glu88Asp]RELEKLGLEI

ClinVar aggregate classification (germline): Uncertain significance (1 of 4 stars; one submission).

Submission:

Labcorp Genetics (formerly Invitae), Labcorp
Classification: Uncertain significance. Last evaluated: 2025-02-24. Review status: criteria provided, single submitter. Criteria: Invitae Variant Classification Sherloc (09022015). Collection method: clinical testing. Allele origin: germline.
Comment: This sequence change replaces glutamic acid with aspartic acid at codon 88 of the PISD protein (p.Glu88Asp). The glutamic acid residue is weakly conserved and there is a small physicochemical difference between glutamic acid and aspartic acid. This variant is not present in population databases (gnomAD no frequency). This variant has not been reported in the literature in individuals affected with PISD-related conditions. ClinVar contains an entry for this variant (Variation ID: 1375335). An algorithm developed to predict the effect of missense changes on protein structure and function (PolyPhen-2) suggests that this variant is likely to be tolerated. In summary, the available evidence is currently insufficient to determine the role of this variant in disease. Therefore, it has been classified as a Variant of Uncertain Significance.